The following is an entry in ClinVar:

NM_000384.3(APOB):c.1028A>G (p.Gln343Arg)

Gene: APOB (apolipoprotein B; minus strand). Cytogenetic location: 2p24.1.
Variant type: single nucleotide variant.
Coding change: c.1028A>G on transcript NM_000384.3 (MANE Select); coding-DNA position 1028, A replaced by G.
Protein change: p.Gln343Arg; replaces glutamine 343 with arginine.
Molecular consequence: missense variant.
Genome position (GRCh38, 1-based): chr2:21,033,395, T>C on the plus strand (A>G on the coding strand, the complement: APOB is on the minus strand). VCF-style: chr2-21033395-T-C. GRCh37 (hg19) VCF-style: chr2-21256267-T-C.
Other names: short protein forms Q343R.
Identifiers: ClinVar variation 3749039 (VCV003749039.2).

ClinVar aggregate classification (germline): Uncertain significance (1 of 4 stars; one submission).

Conditions:
Familial hypobetalipoproteinemia 1. Also called: APOB-Related Familial Hypobetalipoproteinemia; Hypobetalipoproteinemia, normotriglyceridemic; Acanthocytosis with hypobetalipoproteinemia. Identifiers: MedGen C4551990, MONDO:0014252, OMIM 615558.
Hypercholesterolemia, autosomal dominant, type B (FHCL2). Also called: Familial Hypercholesterolemia Type B; APOLIPOPROTEIN B-100, FAMILIAL DEFECTIVE; APOLIPOPROTEIN B-100, FAMILIAL LIGAND-DEFECTIVE; HYPERCHOLESTEROLEMIA, FAMILIAL, DUE TO LIGAND-DEFECTIVE APOLIPOPROTEIN B; Hyperlipoproteinemia Type IIb; Familial hypercholesterolemia 2. Identifiers: MedGen C1704417, MONDO:0007751, OMIM 144010.

Submission:

Labcorp Genetics (formerly Invitae), Labcorp
Classification: Uncertain significance for Familial hypobetalipoproteinemia 1; Hypercholesterolemia, autosomal dominant, type B. Last evaluated: 2024-10-03. Review status: criteria provided, single submitter. Criteria: Invitae Variant Classification Sherloc (09022015). Collection method: clinical testing. Allele origin: germline.
Comment: This sequence change replaces glutamine, which is neutral and polar, with arginine, which is basic and polar, at codon 343 of the APOB protein (p.Gln343Arg). This variant is not present in population databases (gnomAD no frequency). This variant has not been reported in the literature in individuals affected with APOB-related conditions. Invitae Evidence Modeling of protein sequence and biophysical properties (such as structural, functional, and spatial information, amino acid conservation, physicochemical variation, residue mobility, and thermodynamic stability) indicates that this missense variant is not expected to disrupt APOB protein function with a negative predictive value of 95%. In summary, the available evidence is currently insufficient to determine the role of this variant in disease. Therefore, it has been classified as a Variant of Uncertain Significance.